The following is an entry in ClinVar:

NM_001386140.1(MTTP):c.2101C>A (p.Leu701Ile)

Gene: MTTP (microsomal triglyceride transfer protein; plus strand). Cytogenetic location: 4q23.
Variant type: single nucleotide variant.
Coding change: c.2101C>A on transcript NM_001386140.1 (MANE Select); coding-DNA position 2101, C replaced by A.
Protein change: p.Leu701Ile; replaces leucine 701 with isoleucine.
Molecular consequence: missense variant.
Genome position (GRCh38, 1-based): chr4:99,613,024, C>A. VCF-style: chr4-99613024-C-A. GRCh37 (hg19) VCF-style: chr4-100534181-C-A.
Other names: c.2101C>A, p.Leu701Ile (NM_000253.4); c.1852C>A, p.Leu618Ile (NM_001300785.2); short protein forms L618I, L701I.
Identifiers: ClinVar variation 2141484 (VCV002141484.4), dbSNP rs570284482, ClinGen allele CA3022290.
Genomic context (GRCh38, chr4:99,613,024, plus strand): 5'-GAGGGGGAGGAGAACCTTGACTCCTATGCTGGTATGTCAGCCATCCTCTTTGATGTTCAG[C>A]TCAGACCTGTCACCTTTTTCAACGGATACAGTGATTTGATGTCCAAAATGCTGTCAGCAT-3'
Protein context (NP_001373069.1, residues 691-711): GMSAILFDVQ[Leu701Ile]RPVTFFNGYS

ClinVar aggregate classification (germline): Uncertain significance (1 of 4 stars; one submission).

Allele frequency attached by ClinVar (database versions not stated): TOPMed below 0.00001; ExAC 0.00001; gnomAD 0.00001; 1000 Genomes Project 30x 0.00016; 1000 Genomes Project 0.00020.
gnomAD v4.1: 2 of 1,614,088 alleles (0.00012%); highest among the groups gnomAD compares: South Asian, 0.0022%; no homozygotes.

Submission:

Labcorp Genetics (formerly Invitae), Labcorp
Classification: Uncertain significance. Last evaluated: 2023-12-07. Review status: criteria provided, single submitter. Criteria: Invitae Variant Classification Sherloc (09022015). Collection method: clinical testing. Allele origin: germline.
Comment: This sequence change replaces leucine, which is neutral and non-polar, with isoleucine, which is neutral and non-polar, at codon 701 of the MTTP protein (p.Leu701Ile). This variant is present in population databases (rs570284482, gnomAD 0.003%). This variant has not been reported in the literature in individuals affected with MTTP-related conditions. ClinVar contains an entry for this variant (Variation ID: 2141484). Advanced modeling of protein sequence and biophysical properties (such as structural, functional, and spatial information, amino acid conservation, physicochemical variation, residue mobility, and thermodynamic stability) performed at Invitae indicates that this missense variant is not expected to disrupt MTTP protein function with a negative predictive value of 80%. In summary, the available evidence is currently insufficient to determine the role of this variant in disease. Therefore, it has been classified as a Variant of Uncertain Significance.